The following is an entry in ClinVar:

ClinVar aggregate classification (germline): Conflicting classifications of pathogenicity. Review status: criteria provided, conflicting classifications (1 of 4 stars). 4 submissions from 4 submitters: Uncertain significance (2); Likely benign (2). Last evaluated 2025-12-30.

Conditions:
CDKN2A-related disorder. Also called: CDKN2A-related condition.
Familial melanoma. Also called: Hereditary melanoma; Hereditary cutaneous melanoma. Identifiers: Orphanet 618, MedGen C1512419, MONDO:0018961.
Hereditary cancer-predisposing syndrome. Also called: Neoplastic Syndromes, Hereditary; Tumor predisposition; Hereditary Cancer Syndrome; Hereditary neoplastic syndrome. Identifiers: Orphanet 140162, MedGen C0027672, MeSH D009386, MONDO:0015356.

gnomAD v4.1: 10 of 1,595,192 alleles (0.00063%); highest among the groups gnomAD compares: Non-Finnish European, 0.00085%; no homozygotes.

Submissions (4):

Labcorp Genetics (formerly Invitae), Labcorp
Classification: Likely benign for Familial melanoma. Last evaluated: 2025-12-30. Review status: criteria provided, single submitter. Criteria: Invitae Variant Classification Sherloc (09022015). Collection method: clinical testing. Allele origin: germline.

PreventionGenetics, part of Exact Sciences
Classification: Uncertain significance for CDKN2A-related condition. Last evaluated: 2025-12-24. Review status: criteria provided, single submitter. Criteria: ACMG Guidelines, 2015. Collection method: clinical testing. Allele origin: germline.
Comment: The CDKN2A c.192G>T variant is not predicted to result in an amino acid change (p.=). To our knowledge, this variant has not been reported in the literature or in a large population database (gnomAD), indicating this variant is rare. This variant has conflicting interpretations in ClinVar ranging from uncertain to likely benign (Variation ID: 231385). At this time, the clinical significance of this variant is uncertain due to the absence of conclusive functional and genetic evidence.

Ambry Genetics
Classification: Uncertain significance for Hereditary cancer-predisposing syndrome. Last evaluated: 2025-08-18. Review status: criteria provided, single submitter. Criteria: Ambry Variant Classification Scheme 2023. Collection method: clinical testing. Allele origin: germline.
Comment: The c.192G>T variant (also known as p.L64L), located in coding exon 2 of the CDKN2A gene, results from a G to T substitution at nucleotide position 192 and does not change the amino acid at position 64 of the p16 isoform. Of note, this variant is also known as p.A79S (c.235G>T) in the p14(ARF) isoform and results from a G to T substitution at nucleotide position 235. The evidence supporting a relationship between p14(ARF) and melanoma-pancreatic cancer syndrome is limited; therefore, the association of this variant with this gene-disease relationship is unknown. However, the association of this variant in the p16 isoform with melanoma-pancreatic cancer syndrome is unlikely.

Color Diagnostics, LLC DBA Color Health
Classification: Likely benign for Hereditary cancer-predisposing syndrome. Last evaluated: 2019-01-08. Review status: criteria provided, single submitter. Criteria: ACMG Guidelines, 2015. Collection method: clinical testing. Allele origin: germline.

Literature cited by the submitters: PubMed 21150883 (cited by Ambry Genetics).

NM_000077.5(CDKN2A):c.192G>T (p.Leu64=)

Gene: CDKN2A (cyclin dependent kinase inhibitor 2A; minus strand). Cytogenetic location: 9p21.3.
Variant type: single nucleotide variant.
Coding change: c.192G>T on transcript NM_000077.5; coding-DNA position 192, G replaced by T.
Protein change: p.Leu64=; no amino-acid change (leucine 64 retained).
Molecular consequence: synonymous variant (on NM_000077.6). On other transcripts: missense variant (1), 3 prime UTR variant (1).
Genome position (GRCh38, 1-based): chr9:21,971,167, C>A on the plus strand (G>T on the coding strand, the complement: CDKN2A is on the minus strand). VCF-style: chr9-21971167-C-A. GRCh37 (hg19) VCF-style: chr9-21971166-C-A.
Other names: c.192G>T, p.Leu64= (NM_000077.6, NM_001195132.2); c.39G>T, p.Leu13= (NM_001363763.2); c.235G>T, p.Ala79Ser (NM_058195.4); c.*115G>T (NM_058197.5); short protein forms A79S.
Identifiers: ClinVar variation 231385 (VCV000231385.13), dbSNP rs876659128, ClinGen allele CA10578846.